The following is an entry in ClinVar:

ClinVar aggregate classification (germline): Uncertain significance (1 of 4 stars; one submission).

Conditions:
Inborn genetic diseases. Identifiers: MedGen C0950123, MeSH D030342.

Submission:

Ambry Genetics
Classification: Uncertain significance for Inborn genetic diseases. Last evaluated: 2025-11-10. Review status: criteria provided, single submitter. Criteria: Ambry Variant Classification Scheme 2023. Collection method: clinical testing. Allele origin: germline.
Comment: The p.E563K variant (also known as c.1687G>A), located in coding exon 10 of the RECQL4 gene, results from a G to A substitution at nucleotide position 1687. The glutamic acid at codon 563 is replaced by lysine, an amino acid with similar properties. This amino acid position is conserved. In addition, this alteration is predicted to be tolerated by in silico analysis. Based on the available evidence, the clinical significance of this variant remains unclear.

NM_004260.4(RECQL4):c.1687G>A (p.Glu563Lys)

Gene: RECQL4 (RecQ like helicase 4; minus strand). Cytogenetic location: 8q24.3.
Variant type: single nucleotide variant.
Coding change: c.1687G>A on transcript NM_004260.4 (MANE Select); coding-DNA position 1687, G replaced by A.
Protein change: p.Glu563Lys; replaces glutamic acid 563 with lysine.
Molecular consequence: missense variant. On other transcripts: non-coding transcript variant (3).
Genome position (GRCh38, 1-based): chr8:144,514,459, C>T on the plus strand (G>A on the coding strand, the complement: RECQL4 is on the minus strand). VCF-style: chr8-144514459-C-T. GRCh37 (hg19) VCF-style: chr8-145739843-C-T.
Other names: c.586G>A, p.Glu196Lys (NM_001413042.1); c.220G>A, p.Glu74Lys (NM_001413043.1); c.1591G>A, p.Glu531Lys (NM_001413017.1, NM_001413020.1); c.1687G>A, p.Glu563Lys (NM_001413018.1, NM_001413019.1, NM_001413033.1 and 1 more transcripts); c.616G>A, p.Glu206Lys (NM_001413021.1, NM_001413022.1, NM_001413023.1 and 7 more transcripts); c.1558G>A, p.Glu520Lys (NM_001413025.1); c.550G>A, p.Glu184Lys (NM_001413027.1, NM_001413030.1, NM_001413031.1 and 2 more transcripts); c.1336G>A, p.Glu446Lys (NM_001413029.1); and 1 more; short protein forms E520K, E531K, E563K, E196K, E206K, E553K, E74K, E184K.
Identifiers: ClinVar variation 4628968 (VCV004628968.1).